The following is an entry in ClinVar:

ClinVar aggregate classification (germline): Uncertain significance (1 of 4 stars; one submission).

Conditions:
Inborn genetic diseases. Identifiers: MedGen C0950123, MeSH D030342.

Allele frequency attached by ClinVar (database versions not stated): gnomAD exomes 0.00001; TOPMed 0.00001; gnomAD 0.00002.
gnomAD v4.1: 11 of 1,613,768 alleles (0.00068%); highest among the groups gnomAD compares: East Asian, 0.0022%; no homozygotes.

Submission:

Ambry Genetics
Classification: Uncertain significance for Inborn genetic diseases. Last evaluated: 2019-10-07. Review status: criteria provided, single submitter. Criteria: Ambry Variant Classification Scheme 2023. Collection method: clinical testing. Allele origin: germline.
Comment: The p.R388W variant (also known as c.1162C>T), located in coding exon 8 of the MAN1B1 gene, results from a C to T substitution at nucleotide position 1162. The arginine at codon 388 is replaced by tryptophan, an amino acid with dissimilar properties. This amino acid position is not well conserved in available vertebrate species. In addition, this alteration is predicted to be tolerated by in silico analysis. Since supporting evidence is limited at this time, the clinical significance of this alteration remains unclear.

NM_016219.5(MAN1B1):c.1162C>T (p.Arg388Trp)

Gene: MAN1B1 (mannosidase alpha class 1B member 1; plus strand). Cytogenetic location: 9q34.3.
Variant type: single nucleotide variant.
Coding change: c.1162C>T on transcript NM_016219.5 (MANE Select); coding-DNA position 1162, C replaced by T.
Protein change: p.Arg388Trp; replaces arginine 388 with tryptophan.
Molecular consequence: missense variant. On other transcripts: non-coding transcript variant (2).
Genome position (GRCh38, 1-based): chr9:137,101,580, C>T. VCF-style: chr9-137101580-C-T. GRCh37 (hg19) VCF-style: chr9-139996032-C-T.
Other names: c.1054C>T, p.Arg352Trp (NM_007230.1); short protein forms R388W, R352W.
Identifiers: ClinVar variation 1737212 (VCV001737212.2), dbSNP rs1252503516, ClinGen allele CA375651013.